The following is an entry in ClinVar:

ClinVar aggregate classification (germline): Uncertain significance. Review status: criteria provided, multiple submitters, no conflicts (2 of 4 stars). 2 submissions from 2 submitters: Uncertain significance (2). Last evaluated 2025-01-19.

Conditions:
Hereditary cancer-predisposing syndrome. Also called: Neoplastic Syndromes, Hereditary; Hereditary Cancer Syndrome; Hereditary neoplastic syndrome; Tumor predisposition. Identifiers: Orphanet 140162, MedGen C0027672, MeSH D009386, MONDO:0015356.
Parathyroid carcinoma (PRTC). Also called: CDC73-Related Parathyroid Carcinoma; Parathyroid gland carcinoma. Identifiers: Orphanet 143, MedGen C0687150, MONDO:0012004, OMIM 608266, HP:0006780.

Submissions (2):

Ambry Genetics
Classification: Uncertain significance for Hereditary cancer-predisposing syndrome. Last evaluated: 2025-01-19. Review status: criteria provided, single submitter. Criteria: Ambry Variant Classification Scheme 2023. Collection method: clinical testing. Allele origin: germline.
Comment: The p.S31F variant (also known as c.92C>T), located in coding exon 1 of the CDC73 gene, results from a C to T substitution at nucleotide position 92. The serine at codon 31 is replaced by phenylalanine, an amino acid with highly dissimilar properties. This amino acid position is conserved. In addition, this alteration is predicted to be deleterious by in silico analysis. Based on the available evidence, the clinical significance of this variant remains unclear.

Labcorp Genetics (formerly Invitae), Labcorp
Classification: Uncertain significance for Parathyroid carcinoma. Last evaluated: 2024-01-24. Review status: criteria provided, single submitter. Criteria: Invitae Variant Classification Sherloc (09022015). Collection method: clinical testing. Allele origin: germline.
Comment: This sequence change replaces serine, which is neutral and polar, with phenylalanine, which is neutral and non-polar, at codon 31 of the CDC73 protein (p.Ser31Phe). This variant is not present in population databases (gnomAD no frequency). This variant has not been reported in the literature in individuals affected with CDC73-related conditions. Advanced modeling of protein sequence and biophysical properties (such as structural, functional, and spatial information, amino acid conservation, physicochemical variation, residue mobility, and thermodynamic stability) performed at Invitae indicates that this missense variant is not expected to disrupt CDC73 protein function with a negative predictive value of 80%. In summary, the available evidence is currently insufficient to determine the role of this variant in disease. Therefore, it has been classified as a Variant of Uncertain Significance.

NM_024529.5(CDC73):c.92C>T (p.Ser31Phe)

Gene: CDC73 (cell division cycle 73; plus strand). Cytogenetic location: 1q31.2.
Variant type: single nucleotide variant.
Coding change: c.92C>T on transcript NM_024529.5 (MANE Select); coding-DNA position 92, C replaced by T.
Protein change: p.Ser31Phe; replaces serine 31 with phenylalanine.
Molecular consequence: missense variant.
Genome position (GRCh38, 1-based): chr1:193,122,292, C>T. VCF-style: chr1-193122292-C-T. GRCh37 (hg19) VCF-style: chr1-193091422-C-T.
Other names: short protein forms S31F.
Identifiers: ClinVar variation 2843579 (VCV002843579.4), dbSNP rs1558276199, ClinGen allele CA343972929.
Genomic context (GRCh38, chr1:193,122,292, plus strand): 5'-ACAACATCCAGAAGAAGGAGATTGTGGTGAAGGGAGACGAAGTGATCTTCGGGGAGTTCT[C>T]CTGGCCCAAGAATGTGAAGACCAACTATGTTGTTTGGGGGTAAGTCCGGCATGGCTGTGG-3'
Protein context (NP_078805.3, residues 21-41): KGDEVIFGEF[Ser31Phe]WPKNVKTNYV